The following is an entry in ClinVar:

NM_002224.4(ITPR3):c.3058+2T>C

Gene: ITPR3 (inositol 1,4,5-trisphosphate receptor type 3; plus strand). Cytogenetic location: 6p21.31.
Variant type: single nucleotide variant.
Coding change: c.3058+2T>C on transcript NM_002224.4 (MANE Select); the canonical splice donor site of the intron after coding-DNA position 3058, T replaced by C.
Molecular consequence: splice donor variant.
Genome position (GRCh38, 1-based): chr6:33,673,722, T>C. VCF-style: chr6-33673722-T-C. GRCh37 (hg19) VCF-style: chr6-33641499-T-C.
Identifiers: ClinVar variation 3358903 (VCV003358903.1).
Genomic context (GRCh38, chr6:33,673,722, plus strand): 5'-GGTGTTTCCCATGCAGGACAGTGGGGCTGATGGCACAGCCCCTGCCTTCGACTCTACCAG[T>C]AAGCCCCTGCCCTGCCTTCAGGCTGAGGCTGTGCGACTCTCCCAGGGATACACAGCAGTG-3'

ClinVar aggregate classification (germline): Likely pathogenic (0 of 4 stars; one submission).

Conditions:
Familial long QT syndrome (RWS). Also called: Romano-Ward syndrome; VENTRICULAR FIBRILLATION WITH PROLONGED QT INTERVAL; Congenital long QT syndrome. Identifiers: Orphanet 768, MedGen C1141890, MONDO:0019171.

Submission:

Genetics and Genomics Program, Sidra Medicine
Classification: Likely pathogenic for Isolated congenital long QT syndrome. Review status: no assertion criteria provided. Collection method: research. Allele origin: unknown. Affected: yes.
Comment: The c.3058+2T>C splice donor variant in ITPR3 is a null variant (intronic, within ±2 of the splice site) (PVS1). This variant is not reported in gnomAD (PM2). The evidence supports a likely pathogenic classification (ACMG codes: PVS1, PM2).